The following is an entry in ClinVar:

NM_003334.4(UBA1):c.1576-14T>C

Gene: UBA1 (ubiquitin like modifier activating enzyme 1; plus strand). Cytogenetic location: Xp11.3.
Variant type: single nucleotide variant.
Coding change: c.1576-14T>C on transcript NM_003334.4 (MANE Select); 14 bases into the intron before coding-DNA position 1576, T replaced by C.
Molecular consequence: intron variant.
Genome position (GRCh38, 1-based): chrX:47,205,934, T>C. VCF-style: chrX-47205934-T-C. GRCh37 (hg19) VCF-style: chrX-47065333-T-C.
Other names: c.1576-14T>C (NM_153280.3).
Identifiers: ClinVar variation 2692467 (VCV002692467.1), dbSNP rs2521521052, ClinGen allele CA2697553068.

ClinVar aggregate classification (germline): Uncertain significance (1 of 4 stars; one submission).

Submission:

Greenwood Genetic Center Diagnostic Laboratories, Greenwood Genetic Center
Classification: Uncertain significance. Last evaluated: 2023-11-16. Review status: criteria provided, single submitter. Criteria: ACMG Guidelines, 2015. Collection method: clinical testing. Allele origin: germline. Affected: yes.
Comment: PM2